The following is an entry in ClinVar:

NM_138638.5(CFL2):c.388G>C (p.Gly130Arg)

Gene: CFL2 (cofilin 2; minus strand). Cytogenetic location: 14q13.1.
Variant type: single nucleotide variant.
Coding change: c.388G>C on transcript NM_138638.5 (MANE Select); coding-DNA position 388, G replaced by C.
Protein change: p.Gly130Arg; replaces glycine 130 with arginine.
Molecular consequence: missense variant. On other transcripts: non-coding transcript variant (2).
Genome position (GRCh38, 1-based): chr14:34,713,060, C>G on the plus strand (G>C on the coding strand, the complement: CFL2 is on the minus strand). VCF-style: chr14-34713060-C-G. GRCh37 (hg19) VCF-style: chr14-35182266-C-G.
Other names: c.337G>C, p.Gly113Arg (NM_001243645.2); c.388G>C, p.Gly130Arg (NM_021914.8); short protein forms G130R, G113R.
Identifiers: ClinVar variation 583009 (VCV000583009.8), dbSNP rs1566525113, ClinGen allele CA389421134.

ClinVar aggregate classification (germline): Uncertain significance (1 of 4 stars; one submission).

Conditions:
Nemaline myopathy 7 (NEM7). Also called: Nemaline myopathy 7, autosomal recessive. Identifiers: Orphanet 171436, MedGen C1853154, MONDO:0012538, OMIM 610687.

Submission:

Labcorp Genetics (formerly Invitae), Labcorp
Classification: Uncertain significance for Nemaline myopathy 7. Last evaluated: 2018-04-03. Review status: criteria provided, single submitter. Criteria: Invitae Variant Classification Sherloc (09022015). Collection method: clinical testing. Allele origin: germline.
Comment: This sequence change replaces glycine with arginine at codon 130 of the CFL2 protein (p.Gly130Arg). The glycine residue is highly conserved and there is a moderate physicochemical difference between glycine and arginine. This variant also falls at the last nucleotide of exon 3 of the CFL2 coding sequence, which is part of the consensus splice site for this exon. This variant is not present in population databases (ExAC no frequency). In summary, the available evidence is currently insufficient to determine the role of this variant in disease. Therefore, it has been classified as a Variant of Uncertain Significance. Nucleotide substitutions within the consensus splice site are a relatively common cause of aberrant splicing (PMID: 17576681, 9536098). Algorithms developed to predict the effect of sequence changes on RNA splicing suggest that this variant may disrupt the consensus splice site, but this prediction has not been confirmed by published transcriptional studies. Algorithms developed to predict the effect of missense changes on protein structure and function (SIFT, PolyPhen-2, Align-GVGD) all suggest that this variant is likely to be disruptive, but these predictions have not been confirmed by published functional studies and their clinical significance is uncertain. This variant has not been reported in the literature in individuals with CFL2-related disease.

Literature cited by the submitters: PubMed 17576681; PubMed 9536098.